The following is an entry in ClinVar:

ClinVar aggregate classification (germline): Pathogenic (1 of 4 stars; one submission).

Conditions:
Popliteal pterygium syndrome (PPS). Identifiers: Orphanet 294963, MedGen C0265259, MONDO:0017435.
Orofacial cleft 6, susceptibility to (OFC6). Also called: CLEFT LIP WITH OR WITHOUT CLEFT PALATE, NONSYNDROMIC, 6. Identifiers: MedGen C1837213, MONDO:0012141, OMIM 608864.
Van der Woude syndrome. Identifiers: Orphanet 888, MedGen C0175697, MONDO:0019508.

Submission:

Labcorp Genetics (formerly Invitae), Labcorp
Classification: Pathogenic for Orofacial cleft 6, susceptibility to; Van der Woude syndrome; Popliteal pterygium syndrome. Last evaluated: 2022-08-23. Review status: criteria provided, single submitter. Criteria: Invitae Variant Classification Sherloc (09022015). Collection method: clinical testing. Allele origin: germline.
Comment: For these reasons, this variant has been classified as Pathogenic. Disruption of the initiator codon has been observed in individuals with Van der Woude syndrome (PMID: 19282774, 23713753; Invitae). This variant is not present in population databases (gnomAD no frequency). This sequence change affects the initiator methionine of the IRF6 mRNA. The next in-frame methionine is located at codon 96.

Literature cited by the submitters: PubMed 19282774; PubMed 23713753.

NM_006147.4(IRF6):c.2T>A (p.Met1Lys)

Gene: IRF6 (interferon regulatory factor 6; minus strand). Cytogenetic location: 1q32.2.
Variant type: single nucleotide variant.
Coding change: c.2T>A on transcript NM_006147.4 (MANE Select); coding-DNA position 2, T replaced by A.
Protein change: p.Met1Lys; changes the start codon (methionine 1).
Molecular consequence: missense variant, initiator codon variant. On other transcripts: intron variant (1).
Genome position (GRCh38, 1-based): chr1:209,801,412, A>T on the plus strand (T>A on the coding strand, the complement: IRF6 is on the minus strand). VCF-style: chr1-209801412-A-T. GRCh37 (hg19) VCF-style: chr1-209974757-A-T.
Other names: c.-112+4535T>A (NM_001206696.2); short protein forms M1K.
Identifiers: ClinVar variation 2026633 (VCV002026633.5), dbSNP rs2464694798, ClinGen allele CA344586236.
Genomic context (GRCh38, chr1:209,801,412, plus strand): 5'-CCACTATCCACCTGGGCCACCAGCCAGGGCTTTAGCCGGACTCTGCGGGGGTGGAGGGCC[A>T]TGATCTGGGGGGGTCAGAGGGAGAAATGGGAAGAGCAGAAGAATTAGGCCAGCCACTGGG-3'
Protein context (NP_006138.1, residues 1-11): [Met1Lys]ALHPRRVRLK